The following is an entry in ClinVar:

NM_000492.4(CFTR):c.1867dup (p.Ser623fs)

Gene: CFTR (CF transmembrane conductance regulator; plus strand). Cytogenetic location: 7q31.2.
Variant type: Duplication.
Coding change: c.1867dup on transcript NM_000492.4 (MANE Select); coding-DNA position 1867, one base duplicated (A; older notation c.1867dupA).
Protein change: p.Ser623fs; shifts the reading frame from serine 623.
Molecular consequence: frameshift variant.
Genome position (GRCh38, 1-based): chr7:117,592,034, A duplicated. VCF-style (leftmost placement, unchanged base first): chr7-117592033-T-TA. GRCh37 (hg19) VCF-style: chr7-117232087-T-TA.
Other names: short protein forms S623fs.
Identifiers: ClinVar variation 2024285 (VCV002024285.4), dbSNP rs2485109277, ClinGen allele CA2580076503.

ClinVar aggregate classification (germline): Pathogenic (1 of 4 stars; one submission).

Conditions:
Cystic fibrosis (CF). Also called: MUCOVISCIDOSIS. Identifiers: Orphanet 586, MedGen C0010674, MONDO:0009061, OMIM 219700. Disease mechanism: loss of function.

Submission:

Labcorp Genetics (formerly Invitae), Labcorp
Classification: Pathogenic for Cystic fibrosis. Last evaluated: 2022-08-16. Review status: criteria provided, single submitter. Criteria: Invitae Variant Classification Sherloc (09022015). Collection method: clinical testing. Allele origin: germline.
Comment: For these reasons, this variant has been classified as Pathogenic. Algorithms developed to predict the effect of sequence changes on RNA splicing suggest that this variant may create or strengthen a splice site. This variant has not been reported in the literature in individuals affected with CFTR-related conditions. This variant is not present in population databases (gnomAD no frequency). This sequence change creates a premature translational stop signal (p.Ser623Lysfs*19) in the CFTR gene. It is expected to result in an absent or disrupted protein product. Loss-of-function variants in CFTR are known to be pathogenic (PMID: 1695717, 7691345, 9725922).

Literature cited by the submitters: PubMed 1695717; PubMed 7691345; PubMed 9725922.